The following is an entry in ClinVar:

NM_001421.4(ELF4):c.1231G>A (p.Val411Met)

Gene: ELF4 (E74 like ETS transcription factor 4; minus strand). Cytogenetic location: Xq26.1.
Variant type: single nucleotide variant.
Coding change: c.1231G>A on transcript NM_001421.4 (MANE Select); coding-DNA position 1231, G replaced by A.
Protein change: p.Val411Met; replaces valine 411 with methionine.
Molecular consequence: missense variant.
Genome position (GRCh38, 1-based): chrX:130,067,482, C>T on the plus strand (G>A on the coding strand, the complement: ELF4 is on the minus strand). VCF-style: chrX-130067482-C-T. GRCh37 (hg19) VCF-style: chrX-129201457-C-T.
Other names: c.1231G>A, p.Val411Met (NM_001440765.1, NM_001440766.1, NM_001127197.2); short protein forms V411M.
Identifiers: ClinVar variation 4847946 (VCV004847946.1).
Genomic context (GRCh38, chrX:130,067,482, plus strand): 5'-CATTGGTCAGCACCGTGGTCAGTGGGATCGTCTGCAGGGTCAGGGCCGAGCCCGACCCCA[C>T]GGGGGCCACTCCTAGGTGGATGTTGCTGGGCACTGAAGATGCACTGAGAAGAAACAGAGA-3'
Protein context (NP_001412.1, residues 401-421): PSNIHLGVAP[Val411Met]GSGSALTLQT

ClinVar aggregate classification (germline): Likely benign (1 of 4 stars; one submission).

gnomAD v4.1: 313 of 1,210,172 alleles (0.026%); highest among the groups gnomAD compares: African/African-American, 0.38%; no homozygotes.

Submission:

Women's Health and Genetics/Laboratory Corporation of America, LabCorp
Classification: Likely benign. Last evaluated: 2026-02-10. Review status: criteria provided, single submitter. Criteria: LabCorp Variant Classification Summary - May 2015. Collection method: clinical testing. Allele origin: germline.
Comment: Variant summary: ELF4 c.1231G>A (p.Val411Met) results in a conservative amino acid change in the encoded protein sequence. Algorithms developed to predict the effect of missense changes on protein structure and function all suggest that this variant is likely to be tolerated. The variant allele was found at a frequency of 0.0005 in 181516 control chromosomes, predominantly at a frequency of 0.0044 within the African or African-American subpopulation in the gnomAD database. The observed variant frequency within African or African-American control individuals in the gnomAD database exceeds the estimated maximal expected allele frequency for disease-causing variants in ELF4. No submitters have cited clinical-significance assessments for this variant to ClinVar. Based on the evidence outlined above, the variant was classified as likely benign.